The following is an entry in ClinVar:

ClinVar aggregate classification (germline): Conflicting classifications of pathogenicity. Review status: criteria provided, conflicting classifications (1 of 4 stars). 2 submissions from 2 submitters: Uncertain significance (1); Likely benign (1). Last evaluated 2026-06-16.

Conditions:
Hereditary cancer-predisposing syndrome. Also called: Tumor predisposition; Hereditary Cancer Syndrome; Hereditary neoplastic syndrome; Neoplastic Syndromes, Hereditary. Identifiers: Orphanet 140162, MedGen C0027672, MeSH D009386, MONDO:0015356.
Hereditary diffuse gastric adenocarcinoma (HDGC). Also called: DIFFUSE GASTRIC AND LOBULAR BREAST CANCER SYNDROME. Identifiers: Orphanet 26106, MedGen C1708349, MONDO:0007648, OMIM 137215.

gnomAD v4.1: 1 of 1,614,278 alleles (0.000062%); highest among the groups gnomAD compares: Non-Finnish European, 0.000085%; no homozygotes.

Submissions (2):

Ambry Genetics
Classification: Likely benign for Hereditary cancer-predisposing syndrome. Last evaluated: 2026-06-16. Review status: criteria provided, single submitter. Criteria: Ambry Variant Classification Scheme 2023. Collection method: clinical testing. Allele origin: germline.

Labcorp Genetics (formerly Invitae), Labcorp
Classification: Uncertain significance for Hereditary diffuse gastric adenocarcinoma. Last evaluated: 2024-01-21. Review status: criteria provided, single submitter. Criteria: Invitae Variant Classification Sherloc (09022015). Collection method: clinical testing. Allele origin: germline.
Comment: This sequence change replaces glutamic acid, which is acidic and polar, with alanine, which is neutral and non-polar, at codon 518 of the CDH1 protein (p.Glu518Ala). This variant is not present in population databases (gnomAD no frequency). This variant has not been reported in the literature in individuals affected with CDH1-related conditions. ClinVar contains an entry for this variant (Variation ID: 1055286). An algorithm developed to predict the effect of missense changes on protein structure and function (PolyPhen-2) suggests that this variant is likely to be tolerated. In summary, the available evidence is currently insufficient to determine the role of this variant in disease. Therefore, it has been classified as a Variant of Uncertain Significance.

NM_004360.5(CDH1):c.1553A>C (p.Glu518Ala)

Gene: CDH1 (cadherin 1; plus strand). Cytogenetic location: 16q22.1.
Variant type: single nucleotide variant.
Coding change: c.1553A>C on transcript NM_004360.5 (MANE Select); coding-DNA position 1553, A replaced by C.
Protein change: p.Glu518Ala; replaces glutamic acid 518 with alanine.
Molecular consequence: missense variant. On other transcripts: 5 prime UTR variant (1).
Genome position (GRCh38, 1-based): chr16:68,815,747, A>C. VCF-style: chr16-68815747-A-C. GRCh37 (hg19) VCF-style: chr16-68849650-A-C.
Other names: c.1553A>C (NM_004360.3); c.1370A>C, p.Glu457Ala (NM_001317184.2); c.5A>C, p.Glu2Ala (NM_001317185.2); c.-267A>C (NM_001317186.2); short protein forms E2A, E457A, E518A.
Identifiers: ClinVar variation 1055286 (VCV001055286.14), dbSNP rs2152135146, ClinGen allele CA396463621.